The following is an entry in ClinVar:

ClinVar aggregate classification (germline): Uncertain significance (1 of 4 stars; one submission).

Conditions:
Developmental and epileptic encephalopathy, 53. Also called: Epileptic encephalopathy, early infantile, 53. Identifiers: MedGen C4479313, MONDO:0033362, OMIM 617389.
Early-onset Parkinson disease 20. Also called: PARKINSON DISEASE 20, AUTOSOMAL RECESSIVE EARLY-ONSET. Identifiers: Orphanet 391411, MedGen C3809824, MONDO:0014233, OMIM 615530.

Allele frequency attached by ClinVar (database versions not stated): gnomAD exomes 0.00001 and 0.00002; ExAC 0.00009.
gnomAD v4.1: 13 of 1,535,932 alleles (0.00085%); highest among the groups gnomAD compares: Non-Finnish European, 0.00052%; no homozygotes.

Submission:

Labcorp Genetics (formerly Invitae), Labcorp
Classification: Uncertain significance for Developmental and epileptic encephalopathy, 53; Early-onset Parkinson disease 20. Last evaluated: 2021-08-27. Review status: criteria provided, single submitter. Criteria: Invitae Variant Classification Sherloc (09022015). Collection method: clinical testing. Allele origin: germline.
Comment: This sequence change replaces cysteine with tyrosine at codon 17 of the SYNJ1 protein (p.Cys17Tyr). The cysteine residue is weakly conserved and there is a large physicochemical difference between cysteine and tyrosine. While this variant is present in population databases (rs746182035), the frequency information is unreliable, as metrics indicate poor data quality at this position in the ExAC database. This variant has not been reported in the literature in individuals affected with SYNJ1-related conditions. Algorithms developed to predict the effect of missense changes on protein structure and function are either unavailable or do not agree on the potential impact of this missense change (SIFT: "Deleterious"; PolyPhen-2: "Benign"; Align-GVGD: "Class C0"). In summary, the available evidence is currently insufficient to determine the role of this variant in disease. Therefore, it has been classified as a Variant of Uncertain Significance.

NM_203446.3(SYNJ1):c.-68G>A

Gene: SYNJ1 (synaptojanin 1; minus strand). Cytogenetic location: 21q22.11.
Variant type: single nucleotide variant.
Coding change: c.-68G>A on transcript NM_203446.3 (MANE Select); 68 bases upstream of the start codon, G replaced by A.
Molecular consequence: 5 prime UTR variant. On other transcripts: missense variant (1).
Genome position (GRCh38, 1-based): chr21:32,727,991, C>T on the plus strand (G>A on the coding strand, the complement: SYNJ1 is on the minus strand). VCF-style: chr21-32727991-C-T. GRCh37 (hg19) VCF-style: chr21-34100302-C-T.
Other names: c.50G>A, p.Cys17Tyr (NM_003895.4); short protein forms C17Y.
Identifiers: ClinVar variation 835467 (VCV000835467.7), dbSNP rs746182035, ClinGen allele CA10004257.